The following is an entry in ClinVar:

NM_001854.4(COL11A1):c.1791G>A (p.Lys597=)

Gene: COL11A1 (collagen type XI alpha 1 chain; minus strand). Cytogenetic location: 1p21.1.
Variant type: single nucleotide variant.
Coding change: c.1791G>A on transcript NM_001854.4 (MANE Select); coding-DNA position 1791, G replaced by A.
Protein change: p.Lys597=; no amino-acid change (lysine 597 retained).
Molecular consequence: synonymous variant. On other transcripts: non-coding transcript variant (1).
Genome position (GRCh38, 1-based): chr1:103,006,068, C>T on the plus strand (G>A on the coding strand, the complement: COL11A1 is on the minus strand). VCF-style: chr1-103006068-C-T. GRCh37 (hg19) VCF-style: chr1-103471624-C-T.
Other names: c.1443G>A, p.Lys481= (NM_001168249.1, NM_080630.4); c.1674G>A, p.Lys558= (NM_001190709.2); c.1827G>A, p.Lys609= (NM_080629.3).
Identifiers: ClinVar variation 2633892 (VCV002633892.1), dbSNP rs2525404795, ClinGen allele CA419207400.

ClinVar aggregate classification (germline): Uncertain significance (1 of 4 stars; one submission).

Conditions:
COL11A1-related disorder. Also called: COL11A1-related disorders; COL11A1-related condition.

Submission:

PreventionGenetics, part of Exact Sciences
Classification: Uncertain significance for COL11A1-related condition. Last evaluated: 2023-04-08. Review status: criteria provided, single submitter. Criteria: ACMG Guidelines, 2015. Collection method: clinical testing. Allele origin: germline.
Comment: The COL11A1 c.1791G>A variant is not predicted to result in an amino acid change (p.=). This variant is located in the last nucleotide of exon 17 and is predicted to to interfere with splicing. This was reported in a family with multiple individuals with Stickler syndrome (Table 2 and Figure 2, Acke et al 2014. PubMed ID: 25240749). This variant has not been reported in a large population database, indicating this variant is rare. Although we suspect that this variant may be pathogenic, at this time, the clinical significance of this variant is uncertain due to the absence of conclusive functional and genetic evidence.